The following is an entry in ClinVar:

ClinVar aggregate classification (germline): Uncertain significance (1 of 4 stars; one submission).

Conditions:
Birt-Hogg-Dube syndrome. Also called: Birt Hogg Dubé syndrome. Identifiers: Orphanet 122, MedGen C0346010, MONDO:0800444.

Submission:

Labcorp Genetics (formerly Invitae), Labcorp
Classification: Uncertain significance for Birt-Hogg-Dube syndrome. Last evaluated: 2023-05-04. Review status: criteria provided, single submitter. Criteria: Invitae Variant Classification Sherloc (09022015). Collection method: clinical testing. Allele origin: germline.
Comment: This sequence change replaces histidine, which is basic and polar, with aspartic acid, which is acidic and polar, at codon 154 of the FLCN protein (p.His154Asp). This variant is not present in population databases (gnomAD no frequency). This variant has not been reported in the literature in individuals affected with FLCN-related conditions. Advanced modeling of protein sequence and biophysical properties (such as structural, functional, and spatial information, amino acid conservation, physicochemical variation, residue mobility, and thermodynamic stability) performed at Invitae indicates that this missense variant is expected to disrupt FLCN protein function. In summary, the available evidence is currently insufficient to determine the role of this variant in disease. Therefore, it has been classified as a Variant of Uncertain Significance.

NM_144997.7(FLCN):c.460C>G (p.His154Asp)

Gene: FLCN (folliculin; minus strand). Cytogenetic location: 17p11.2.
Variant type: single nucleotide variant.
Coding change: c.460C>G on transcript NM_144997.7 (MANE Select); coding-DNA position 460, C replaced by G.
Protein change: p.His154Asp; replaces histidine 154 with aspartic acid.
Molecular consequence: missense variant.
Genome position (GRCh38, 1-based): chr17:17,224,080, G>C on the plus strand (C>G on the coding strand, the complement: FLCN is on the minus strand). VCF-style: chr17-17224080-G-C. GRCh37 (hg19) VCF-style: chr17-17127394-G-C.
Other names: c.514C>G, p.His172Asp (NM_001353229.2); c.460C>G, p.His154Asp (NM_001353230.2, NM_001353231.2, NM_144606.7); short protein forms H154D, H172D.
Identifiers: ClinVar variation 2861915 (VCV002861915.3), dbSNP rs2144980241, ClinGen allele CA398534513.
Genomic context (GRCh38, chr17:17,224,080, plus strand): 5'-TGATGATGCTGTACCAGCGCTGGAAGCCCCTGGCCAGGCTGTCCTTGATGAAGAAGGTGT[G>C]GCTGAACACAAAGCCGTGCTGCTCATCTCCGAAGAAGATGGGGCCTTCACGGCCAGGGCA-3'
Protein context (NP_659434.2, residues 144-164): GDEQHGFVFS[His154Asp]TFFIKDSLAR